The following is an entry in ClinVar:

NC_000003.11:g.(?_132379382)_(132441199_?)dup

Genes: NPHP3 (nephrocystin 3; minus strand), UBA5 (ubiquitin like modifier activating enzyme 5; plus strand). Cytogenetic location: 3q22.1.
Variant type: Duplication.
Identifiers: ClinVar variation 1448229 (VCV001448229.4).

ClinVar aggregate classification (germline): Uncertain significance. Review status: criteria provided, single submitter (1 of 4 stars). 2 submissions from 1 submitter: Uncertain significance (1). 1 of the submissions does not count toward it. Last evaluated 2021-12-08.

Conditions:
Nephronophthisis. Also called: Juvenile Nephronophthisis. Identifiers: Orphanet 655, MedGen C0687120, MONDO:0019005, HP:0000090.

Submissions (2):

Labcorp Genetics (formerly Invitae), Labcorp
Classification: Uncertain significance. Last evaluated: 2021-12-08. Review status: criteria provided, single submitter. Criteria: Invitae Variant Classification Sherloc (09022015). Collection method: clinical testing. Allele origin: germline.
Comment: A copy number gain of the genomic region encompassing the full coding sequence of the UBA5 gene has been identified. The boundaries of this event are unknown as they extend beyond the assayed region for this gene and therefore may encompass additional genes. As the precise location of this event is unknown, it may be in tandem or it may be located elsewhere in the genome. This variant has not been reported in the literature in individuals affected with UBA5-related conditions. In summary, the available evidence is currently insufficient to determine the role of this variant in disease. Therefore, it has been classified as a Variant of Uncertain Significance.

Labcorp Genetics (formerly Invitae), Labcorp
Classification: Uncertain significance for Nephronophthisis. Last evaluated: 2021-08-19. Review status: flagged submission. Criteria: Invitae Variant Classification Sherloc (09022015). Collection method: clinical testing. Allele origin: germline. Not counted in ClinVar's aggregate classification.
Comment: A copy number gain of the genomic region encompassing the full coding sequence of the NPHP3 gene has been identified. The boundaries of this event are unknown as they extend beyond the assayed region for this gene and therefore may encompass additional genes. As the precise location of this event is unknown, it may be in tandem or it may be located elsewhere in the genome. This variant has not been reported in the literature in individuals affected with NPHP3-related conditions. In summary, the available evidence is currently insufficient to determine the role of this variant in disease. Therefore, it has been classified as a Variant of Uncertain Significance.
ClinVar note: Reason: This record appears to be redundant with a more recent record from the same submitter.
ClinVar note: Notes: SCV002227049 appears to be redundant with SCV003795575.